The following is an entry in ClinVar:

ClinVar aggregate classification (germline): Uncertain significance (1 of 4 stars; one submission).

Conditions:
Intellectual developmental disorder, autosomal dominant 1. Also called: Intellectual disability, autosomal dominant 1; MBD5 Haploinsufficiency. Identifiers: Orphanet 228402, MedGen C1969562, MONDO:0007974, OMIM 156200.

Submission:

Labcorp Genetics (formerly Invitae), Labcorp
Classification: Uncertain significance for Intellectual developmental disorder, autosomal dominant 1. Last evaluated: 2023-09-15. Review status: criteria provided, single submitter. Criteria: Invitae Variant Classification Sherloc (09022015). Collection method: clinical testing. Allele origin: germline.
Comment: In summary, the available evidence is currently insufficient to determine the role of this variant in disease. Therefore, it has been classified as a Variant of Uncertain Significance. This sequence change replaces leucine, which is neutral and non-polar, with tryptophan, which is neutral and slightly polar, at codon 566 of the MBD5 protein (p.Leu566Trp). This variant is not present in population databases (gnomAD no frequency). This variant has not been reported in the literature in individuals affected with MBD5-related conditions. ClinVar contains an entry for this variant (Variation ID: 2124998). Advanced modeling of protein sequence and biophysical properties (such as structural, functional, and spatial information, amino acid conservation, physicochemical variation, residue mobility, and thermodynamic stability) performed at Invitae indicates that this missense variant is not expected to disrupt MBD5 protein function.

NM_001378120.1(MBD5):c.1697T>G (p.Leu566Trp)

Gene: MBD5 (methyl-CpG binding domain protein 5; plus strand). Cytogenetic location: 2q23.1.
Variant type: single nucleotide variant.
Coding change: c.1697T>G on transcript NM_001378120.1 (MANE Select); coding-DNA position 1697, T replaced by G.
Protein change: p.Leu566Trp; replaces leucine 566 with tryptophan.
Molecular consequence: missense variant.
Genome position (GRCh38, 1-based): chr2:148,469,640, T>G. VCF-style: chr2-148469640-T-G. GRCh37 (hg19) VCF-style: chr2-149227209-T-G.
Other names: c.1697T>G, p.Leu566Trp (NM_018328.5); short protein forms L566W.
Identifiers: ClinVar variation 2124998 (VCV002124998.4), dbSNP rs2469868268, ClinGen allele CA348720241.